The following is an entry in ClinVar:

ClinVar aggregate classification (germline): Conflicting classifications of pathogenicity. Review status: criteria provided, conflicting classifications (1 of 4 stars). 5 submissions from 5 submitters: Uncertain significance (2); Likely benign (2). 1 of the submissions does not count toward it. Last evaluated 2026-06-17.

Conditions:
Breast-ovarian cancer, familial, susceptibility to, 1 (BROVCA1). Also called: BRCA1 Hereditary Breast and Ovarian Cancer; OVARIAN CANCER, SUSCEPTIBILITY TO. Identifiers: Orphanet 145, MedGen C2676676, MONDO:0011450, OMIM 604370. Disease mechanism: loss of function.
Hereditary cancer-predisposing syndrome. Also called: Neoplastic Syndromes, Hereditary; Hereditary neoplastic syndrome; Hereditary Cancer Syndrome; Tumor predisposition. Identifiers: Orphanet 140162, MedGen C0027672, MeSH D009386, MONDO:0015356.
Hereditary breast ovarian cancer syndrome. Also called: BRCA1- and BRCA2-Associated Hereditary Breast and Ovarian Cancer; Hereditary breast and ovarian cancer syndrome (HBOC); Hereditary breast and ovarian cancer syndrome; Hereditary breast and/or ovarian cancer syndrome; Breast and ovarian cancer; Hereditary breast and ovarian cancer. Identifiers: Orphanet 145, MedGen C0677776, MeSH D061325, MONDO:0003582. Disease mechanism: loss of function.

Allele frequency attached by ClinVar (database versions not stated): TOPMed below 0.00001.

Submissions (5):

Ambry Genetics
Classification: Uncertain significance for Hereditary cancer-predisposing syndrome. Last evaluated: 2026-06-17. Review status: criteria provided, single submitter. Criteria: Ambry Variant Classification Scheme 2023. Collection method: clinical testing. Allele origin: germline.

Labcorp Genetics (formerly Invitae), Labcorp
Classification: Uncertain significance for Hereditary breast ovarian cancer syndrome. Last evaluated: 2025-05-19. Review status: criteria provided, single submitter. Criteria: Invitae Variant Classification Sherloc (09022015). Collection method: clinical testing. Allele origin: germline.
Comment: This sequence change replaces methionine, which is neutral and non-polar, with threonine, which is neutral and polar, at codon 1014 of the BRCA1 protein (p.Met1014Thr). This variant is not present in population databases (gnomAD no frequency). This missense change has been observed in individual(s) with personal or family history of breast and/or ovarian cancer (PMID: 29907814). ClinVar contains an entry for this variant (Variation ID: 91604). Invitae Evidence Modeling of protein sequence and biophysical properties (such as structural, functional, and spatial information, amino acid conservation, physicochemical variation, residue mobility, and thermodynamic stability) indicates that this missense variant is not expected to disrupt BRCA1 protein function with a negative predictive value of 80%. In summary, the available evidence is currently insufficient to determine the role of this variant in disease. Therefore, it has been classified as a Variant of Uncertain Significance.

University of Washington Department of Laboratory Medicine, University of Washington
Classification: Likely benign for Hereditary cancer-predisposing syndrome. Last evaluated: 2023-03-23. Review status: criteria provided, single submitter. Criteria: Dines et al. (Genet Med. 2020). Collection method: curation. Allele origin: germline.
Comment: Missense variant in a coldspot region where missense variants are very unlikely to be pathogenic (PMID:31911673).

BRCA1 coldspot (exon 11 using historical exon numbering). Reclassification based on statistical prior probability

Color Diagnostics, LLC DBA Color Health
Classification: Likely benign for Hereditary cancer-predisposing syndrome. Last evaluated: 2016-02-23. Review status: criteria provided, single submitter. Criteria: ACMG Guidelines, 2015. Collection method: clinical testing. Allele origin: germline.

Sharing Clinical Reports Project (SCRP)
Classification: Uncertain significance for Breast-ovarian cancer, familial 1. Last evaluated: 2012-04-05. Review status: no assertion criteria provided. Collection method: clinical testing. Allele origin: germline. Not counted in ClinVar's aggregate classification.

Literature cited by the submitters: PubMed 29907814 (cited by Labcorp Genetics (formerly Invitae), Labcorp).

NM_007294.4(BRCA1):c.3041T>C (p.Met1014Thr)

Gene: BRCA1 (BRCA1 DNA repair associated; minus strand). Cytogenetic location: 17q21.31.
Variant type: single nucleotide variant.
Coding change: c.3041T>C on transcript NM_007294.4 (MANE Select); coding-DNA position 3041, T replaced by C.
Protein change: p.Met1014Thr; replaces methionine 1014 with threonine.
Molecular consequence: missense variant. On other transcripts: intron variant (137).
Genome position (GRCh38, 1-based): chr17:43,092,490, A>G on the plus strand (T>C on the coding strand, the complement: BRCA1 is on the minus strand). VCF-style: chr17-43092490-A-G. GRCh37 (hg19) VCF-style: chr17-41244507-A-G.
Other names: 3160T>C; c.2777T>C, p.Met926Thr (NM_001407927.1, NM_001407928.1, NM_001407929.1 and 9 more transcripts); c.2774T>C, p.Met925Thr (NM_001407930.1, NM_001407931.1, NM_001407932.1 and 2 more transcripts); c.2915T>C, p.Met972Thr (NM_001407941.1, NM_001407649.1, NM_001407670.1 and 11 more transcripts); c.2900T>C, p.Met967Thr (NM_001407942.1, NM_001407944.1, NM_001407945.1 and 29 more transcripts); c.2897T>C, p.Met966Thr (NM_001407943.1, NM_001407964.1, NM_001407749.1 and 20 more transcripts); c.2708T>C, p.Met903Thr (NM_001407946.1, NM_001407947.1, NM_001407948.1 and 6 more transcripts); c.2660T>C, p.Met887Thr (NM_001407960.1, NM_001407963.1, NM_001407959.1); and 42 more; short protein forms M1014T, M967T, M1011T, M1013T, M926T, M972T, M925T, M943T.
Identifiers: ClinVar variation 91604 (VCV000091604.24), dbSNP rs80357020, ClinGen allele CA002000.